The following is an entry in ClinVar:

ClinVar aggregate classification (germline): Uncertain significance (1 of 4 stars; one submission).

Allele frequency attached by ClinVar (database versions not stated): TOPMed below 0.00001; ExAC 0.00001; gnomAD exomes 0.00001.
gnomAD v4.1: 3 of 1,614,054 alleles (0.00019%); highest among the groups gnomAD compares: Non-Finnish European, 0.00025%; no homozygotes.

Submission:

Labcorp Genetics (formerly Invitae), Labcorp
Classification: Uncertain significance. Last evaluated: 2024-02-24. Review status: criteria provided, single submitter. Criteria: Invitae Variant Classification Sherloc (09022015). Collection method: clinical testing. Allele origin: germline.
Comment: This sequence change replaces alanine, which is neutral and non-polar, with threonine, which is neutral and polar, at codon 619 of the MAK protein (p.Ala619Thr). This variant is present in population databases (rs760381134, gnomAD 0.0009%). This variant has not been reported in the literature in individuals affected with MAK-related conditions. ClinVar contains an entry for this variant (Variation ID: 1941440). Advanced modeling of protein sequence and biophysical properties (such as structural, functional, and spatial information, amino acid conservation, physicochemical variation, residue mobility, and thermodynamic stability) performed at Invitae indicates that this missense variant is not expected to disrupt MAK protein function with a negative predictive value of 95%. In summary, the available evidence is currently insufficient to determine the role of this variant in disease. Therefore, it has been classified as a Variant of Uncertain Significance.

NM_001242957.3(MAK):c.1855G>A (p.Ala619Thr)

Gene: MAK (male germ cell associated kinase; minus strand). Cytogenetic location: 6p24.2.
Variant type: single nucleotide variant.
Coding change: c.1855G>A on transcript NM_001242957.3 (MANE Select); coding-DNA position 1855, G replaced by A.
Protein change: p.Ala619Thr; replaces alanine 619 with threonine.
Molecular consequence: missense variant. On other transcripts: non-coding transcript variant (2).
Genome position (GRCh38, 1-based): chr6:10,764,544, C>T on the plus strand (G>A on the coding strand, the complement: MAK is on the minus strand). VCF-style: chr6-10764544-C-T. GRCh37 (hg19) VCF-style: chr6-10764777-C-T.
Other names: c.1660G>A, p.Ala554Thr (NM_001242385.2); c.1558G>A, p.Ala520Thr (NM_001377262.1); c.1780G>A, p.Ala594Thr (NM_005906.6); short protein forms A619T, A594T, A520T, A554T.
Identifiers: ClinVar variation 1941440 (VCV001941440.5), dbSNP rs760381134, ClinGen allele CA3633322.
Genomic context (GRCh38, chr6:10,764,544, plus strand): 5'-CTGTCCTCCCATGCACTGAGGGAATGGGCTGTGCACGGTTCACAATATTTAGGTTTTTTG[C>T]TGTAGGATTATAAGTACGTCCTGAAAACTGCCCCCGACCAGTTTTTGTGTTCCAGGTATA-3'
Protein context (NP_001229886.1, residues 609-629): QFSGRTYNPT[Ala619Thr]KNLNIVNRAQ